The following is an entry in ClinVar:

NM_017636.4(TRPM4):c.1532T>A (p.Leu511Gln)

Gene: TRPM4 (transient receptor potential cation channel subfamily M member 4; plus strand). Cytogenetic location: 19q13.33.
Variant type: single nucleotide variant.
Coding change: c.1532T>A on transcript NM_017636.4 (MANE Select); coding-DNA position 1532, T replaced by A.
Protein change: p.Leu511Gln; replaces leucine 511 with glutamine.
Molecular consequence: missense variant. On other transcripts: 5 prime UTR variant (1).
Genome position (GRCh38, 1-based): chr19:49,182,846, T>A. VCF-style: chr19-49182846-T-A. GRCh37 (hg19) VCF-style: chr19-49686103-T-A.
Other names: c.1532T>A, p.Leu511Gln (NM_001195227.2); c.1187T>A, p.Leu396Gln (NM_001321281.2); c.-22T>A (NM_001321282.2); c.1010T>A, p.Leu337Gln (NM_001321283.2); c.470T>A, p.Leu157Gln (NM_001321285.2); short protein forms L511Q, L337Q, L396Q, L157Q.
Identifiers: ClinVar variation 329856 (VCV000329856.16), dbSNP rs200508171, ClinGen allele CA9569219.

ClinVar aggregate classification (germline): Uncertain significance. Review status: criteria provided, multiple submitters, no conflicts (2 of 4 stars). 4 submissions from 4 submitters: Uncertain significance (4). Last evaluated 2025-04-29.

Conditions:
Progressive familial heart block type IB (PFHB1B). Identifiers: Orphanet 871, MedGen C1970298, MONDO:0011474, OMIM 604559.
Erythrokeratodermia variabilis et progressiva 6. Identifiers: MedGen C5193144, MONDO:0032801, OMIM 618531.
Cardiovascular phenotype. Identifiers: MedGen CN230736.

Allele frequency attached by ClinVar (database versions not stated): 1000 Genomes Project 30x 0.00016; 1000 Genomes Project 0.00020; gnomAD exomes below 0.00001 and 0.00006; ExAC 0.00001; gnomAD 0.00001; TOPMed 0.00002.
gnomAD v4.1: 81 of 1,612,042 alleles (0.005%); highest among the groups gnomAD compares: East Asian, 0.18%; 1 homozygote.

Submissions (4):

Labcorp Genetics (formerly Invitae), Labcorp
Classification: Uncertain significance for Progressive familial heart block type IB. Last evaluated: 2025-04-29. Review status: criteria provided, single submitter. Criteria: Invitae Variant Classification Sherloc (09022015). Collection method: clinical testing. Allele origin: germline.
Comment: This sequence change replaces leucine, which is neutral and non-polar, with glutamine, which is neutral and polar, at codon 511 of the TRPM4 protein (p.Leu511Gln). This variant is present in population databases (rs200508171, gnomAD 0.01%). This variant has not been reported in the literature in individuals affected with TRPM4-related conditions. ClinVar contains an entry for this variant (Variation ID: 329856). An algorithm developed to predict the effect of missense changes on protein structure and function (PolyPhen-2) suggests that this variant is likely to be disruptive. In summary, the available evidence is currently insufficient to determine the role of this variant in disease. Therefore, it has been classified as a Variant of Uncertain Significance.

Ambry Genetics
Classification: Uncertain significance for Cardiovascular phenotype. Last evaluated: 2025-01-21. Review status: criteria provided, single submitter. Criteria: Ambry Variant Classification Scheme 2023. Collection method: clinical testing. Allele origin: germline.
Comment: The p.L511Q variant (also known as c.1532T>A), located in coding exon 11 of the TRPM4 gene, results from a T to A substitution at nucleotide position 1532. The leucine at codon 511 is replaced by glutamine, an amino acid with dissimilar properties. This amino acid position is highly conserved in available vertebrate species. In addition, the in silico prediction for this alteration is inconclusive. Since supporting evidence is limited at this time, the clinical significance of this alteration remains unclear.

Fulgent Genetics
Classification: Uncertain significance for Progressive familial heart block type IB; Erythrokeratodermia variabilis et progressiva 6. Last evaluated: 2021-10-29. Review status: criteria provided, single submitter. Criteria: ACMG Guidelines, 2015. Collection method: clinical testing. Allele origin: unknown.

Illumina Laboratory Services, Illumina
Classification: Uncertain significance for Progressive familial heart block type IB. Last evaluated: 2018-01-13. Review status: criteria provided, single submitter. Criteria: ICSL Variant Classification Criteria 13 December 2019. Collection method: clinical testing. Allele origin: germline.